The following is an entry in ClinVar:

NM_033380.3(COL4A5):c.4207G>A (p.Gly1403Ser)

Gene: COL4A5 (collagen type IV alpha 5 chain; plus strand). Cytogenetic location: Xq22.3.
Variant type: single nucleotide variant.
Coding change: c.4207G>A on transcript NM_033380.3 (MANE Select); coding-DNA position 4207, G replaced by A.
Protein change: p.Gly1403Ser; replaces glycine 1403 with serine.
Molecular consequence: missense variant.
Genome position (GRCh38, 1-based): chrX:108,681,879, G>A. VCF-style: chrX-108681879-G-A. GRCh37 (hg19) VCF-style: chrX-107925109-G-A.
Other names: c.4189G>A, p.Gly1397Ser (NM_000495.5); short protein forms G1397S, G1403S.
Identifiers: ClinVar variation 1067038 (VCV001067038.10), dbSNP rs2147982351, ClinGen allele CA413852453.

ClinVar aggregate classification (germline): Conflicting classifications of pathogenicity. Review status: criteria provided, conflicting classifications (1 of 4 stars). 2 submissions from 2 submitters: Likely pathogenic (1); Uncertain significance (1). Last evaluated 2022-12-23.

Submissions (2):

Women's Health and Genetics/Laboratory Corporation of America, LabCorp
Classification: Uncertain significance. Last evaluated: 2022-12-23. Review status: criteria provided, single submitter. Criteria: LabCorp Variant Classification Summary - May 2015. Collection method: clinical testing. Allele origin: germline.
Comment: Variant summary: COL4A5 c.4189G>A (p.Gly1397Ser) results in a non-conservative amino acid change in the Collagen Triple-helical repeat region (IPR008160) of the encoded protein sequence and is predicted to disrupt the Gly-X-Y repeats in the collagenous domain of the collagen IV alpha 5 chain. Most COL4A5 mutations in patients with Alport syndrome have been reported to reside in the collagenous domain (Hertz, 2009 and HGMD database). Nearby glycine residue alterations (ex. p.G1400R, p.G1406R) are associated with Alport Syndrome in HGMD. Five of five in-silico tools predict a damaging effect of the variant on protein function. The variant was absent in 181818 control chromosomes (gnomAD). To our knowledge, no occurrence of c.4189G>A in individuals affected with Alport Syndrome 1, X-Linked Recessive and no experimental evidence demonstrating its impact on protein function have been reported. One clinical diagnostic laboratory has submitted clinical-significance assessments for this variant to ClinVar after 2014 and classified the variant as likely pathogenic. Based on the evidence outlined above, the variant was classified as VUS-possibly pathogenic.

Labcorp Genetics (formerly Invitae), Labcorp
Classification: Likely pathogenic. Last evaluated: 2022-12-01. Review status: criteria provided, single submitter. Criteria: Invitae Variant Classification Sherloc (09022015). Collection method: clinical testing. Allele origin: germline.
Comment: This variant is not present in population databases (gnomAD no frequency). This sequence change replaces glycine, which is neutral and non-polar, with serine, which is neutral and polar, at codon 1397 of the COL4A5 protein (p.Gly1397Ser). This variant has not been reported in the literature in individuals affected with COL4A5-related conditions. ClinVar contains an entry for this variant (Variation ID: 1067038). Advanced modeling of protein sequence and biophysical properties (such as structural, functional, and spatial information, amino acid conservation, physicochemical variation, residue mobility, and thermodynamic stability) performed at Invitae indicates that this missense variant is expected to disrupt COL4A5 protein function. This variant disrupts the triple helix domain of COL4A5. Glycine residues within the Gly-Xaa-Yaa repeats of the triple helix domain are required for the structure and stability of fibrillar collagens (PMID: 7695699, 8218237, 19344236). In COL4A5, missense variants at these glycine residues are significantly enriched in individuals with disease (PMID: 23720012, 27627812) compared to the general population (ExAC). In summary, the currently available evidence indicates that the variant is pathogenic, but additional data are needed to prove that conclusively. Therefore, this variant has been classified as Likely Pathogenic.

Literature cited by the submitters: PubMed 7695699 (cited by Labcorp Genetics (formerly Invitae), Labcorp); PubMed 8218237 (cited by Labcorp Genetics (formerly Invitae), Labcorp); PubMed 19344236 (cited by Labcorp Genetics (formerly Invitae), Labcorp); PubMed 23720012 (cited by Labcorp Genetics (formerly Invitae), Labcorp); PubMed 27627812 (cited by Labcorp Genetics (formerly Invitae), Labcorp).